The following is an entry in ClinVar:

NM_144498.4(OSBPL2):c.158A>G (p.Gln53Arg)

Gene: OSBPL2 (oxysterol binding protein like 2; plus strand). Cytogenetic location: 20q13.33.
Variant type: single nucleotide variant.
Coding change: c.158A>G on transcript NM_144498.4 (MANE Select); coding-DNA position 158, A replaced by G.
Protein change: p.Gln53Arg; replaces glutamine 53 with arginine.
Molecular consequence: missense variant. On other transcripts: 5 prime UTR variant (1), intron variant (1).
Genome position (GRCh38, 1-based): chr20:62,260,101, A>G. VCF-style: chr20-62260101-A-G. GRCh37 (hg19) VCF-style: chr20-60835157-A-G.
Other names: c.-209A>G (NM_001363878.2); c.122A>G, p.Gln41Arg (NM_014835.5); c.-184-3515A>G (NM_001278649.3); short protein forms Q41R, Q53R.
Identifiers: ClinVar variation 956110 (VCV000956110.9), dbSNP rs1981200405, ClinGen allele CA409533468.
Genomic context (GRCh38, chr20:62,260,101, plus strand): 5'-TGATTGACTTAGACACCAGCAAAAATAATAGGATTGGGAAAACTGGGGAGAGGCCCTCTC[A>G]AGAGAACGGAATTCAGAAACACAGGTATGTTCTCTCACGTCTGCTGTTTCTAAAATGTGT-3'
Protein context (NP_653081.1, residues 43-63): RIGKTGERPS[Gln53Arg]ENGIQKHRTS

ClinVar aggregate classification (germline): Uncertain significance (1 of 4 stars; one submission).

Allele frequency attached by ClinVar (database versions not stated): gnomAD exomes below 0.00001.
gnomAD v4.1: 1 of 1,613,986 alleles (0.000062%); highest among the groups gnomAD compares: Non-Finnish European, 0.000085%; no homozygotes.

Submission:

Labcorp Genetics (formerly Invitae), Labcorp
Classification: Uncertain significance. Last evaluated: 2022-07-25. Review status: criteria provided, single submitter. Criteria: Invitae Variant Classification Sherloc (09022015). Collection method: clinical testing. Allele origin: germline.
Comment: This sequence change replaces glutamine, which is neutral and polar, with arginine, which is basic and polar, at codon 53 of the OSBPL2 protein (p.Gln53Arg). This variant is not present in population databases (gnomAD no frequency). This variant has not been reported in the literature in individuals affected with OSBPL2-related conditions. ClinVar contains an entry for this variant (Variation ID: 956110). Algorithms developed to predict the effect of missense changes on protein structure and function output the following: SIFT: "Tolerated"; PolyPhen-2: "Benign"; Align-GVGD: "Class C0". The arginine amino acid residue is found in multiple mammalian species, which suggests that this missense change does not adversely affect protein function. In summary, the available evidence is currently insufficient to determine the role of this variant in disease. Therefore, it has been classified as a Variant of Uncertain Significance.